The following is an entry in ClinVar:

NM_001184.4(ATR):c.3137A>G (p.Lys1046Arg)

Gene: ATR (ATR checkpoint kinase; minus strand). Cytogenetic location: 3q23.
Variant type: single nucleotide variant.
Coding change: c.3137A>G on transcript NM_001184.4 (MANE Select); coding-DNA position 3137, A replaced by G.
Protein change: p.Lys1046Arg; replaces lysine 1046 with arginine.
Molecular consequence: missense variant.
Genome position (GRCh38, 1-based): chr3:142,549,513, T>C on the plus strand (A>G on the coding strand, the complement: ATR is on the minus strand). VCF-style: chr3-142549513-T-C. GRCh37 (hg19) VCF-style: chr3-142268355-T-C.
Other names: c.2945A>G, p.Lys982Arg (NM_001354579.2); short protein forms K982R, K1046R.
Identifiers: ClinVar variation 2496639 (VCV002496639.2), dbSNP rs2108454729, ClinGen allele CA354812248.

ClinVar aggregate classification (germline): Uncertain significance (1 of 4 stars; one submission).

Conditions:
Inborn genetic diseases. Identifiers: MedGen C0950123, MeSH D030342.

Allele frequency attached by ClinVar (database versions not stated): gnomAD exomes below 0.00001; gnomAD 0.00001.
gnomAD v4.1: 3 of 1,605,076 alleles (0.00019%); highest among the groups gnomAD compares: Non-Finnish European, 0.00026%; no homozygotes.

Submission:

Ambry Genetics
Classification: Uncertain significance for Inborn genetic diseases. Last evaluated: 2023-01-31. Review status: criteria provided, single submitter. Criteria: Ambry Variant Classification Scheme 2023. Collection method: clinical testing. Allele origin: germline.
Comment: The p.K1046R variant (also known as c.3137A>G), located in coding exon 15 of the ATR gene, results from an A to G substitution at nucleotide position 3137. The lysine at codon 1046 is replaced by arginine, an amino acid with highly similar properties. This amino acid position is conserved. In addition, the in silico prediction for this alteration is inconclusive. Since supporting evidence is limited at this time, the clinical significance of this alteration remains unclear.